The following is an entry in ClinVar:

ClinVar aggregate classification (germline): Conflicting classifications of pathogenicity. Review status: criteria provided, conflicting classifications (1 of 4 stars). 2 submissions from 2 submitters: Uncertain significance (1); Likely benign (1). Last evaluated 2026-02-27.

Conditions:
Congenital portosystemic shunt. Identifiers: Orphanet 480531, MedGen C1290495, MONDO:0018811.
Primary ciliary dyskinesia. Also called: Ciliary dyskinesia. Identifiers: Orphanet 244, MedGen C0008780, MONDO:0016575, HP:0012265.

Allele frequency attached by ClinVar (database versions not stated): gnomAD 0.00019; TOPMed 0.00025.

Submissions (2):

Department of Pediatrics, Graduate School of Medical Sciences, Kyushu University
Classification: Uncertain significance for Congenital portosystemic shunt. Last evaluated: 2026-02-27. Review status: criteria provided, single submitter. Criteria: ACMG Guidelines, 2015. Collection method: research. Allele origin: germline. Affected: yes.
Comment: Both variants are rare or absent in population databases such as gnomAD, and in silico prediction tools including CADD suggest potential deleterious effects. However, the relationship between this gene and CPSS has not been established. Therefore, the clinical significance of this variant is currently classified as a variant of uncertain significance (VUS).

Labcorp Genetics (formerly Invitae), Labcorp
Classification: Likely benign for Primary ciliary dyskinesia. Last evaluated: 2025-10-11. Review status: criteria provided, single submitter. Criteria: Invitae Variant Classification Sherloc (09022015). Collection method: clinical testing. Allele origin: germline.

NM_080860.4(RSPH1):c.94G>A (p.Gly32Arg)

Genes: RSPH1 (radial spoke head component 1; minus strand), LOC126653391 (CDK7 strongly-dependent group 2 enhancer GRCh37_chr21:43912470-43913669; plus strand). Cytogenetic location: 21q22.3.
Variant type: single nucleotide variant.
Coding change: c.94G>A on transcript NM_080860.4 (MANE Select); coding-DNA position 94, G replaced by A.
Protein change: p.Gly32Arg; replaces glycine 32 with arginine.
Molecular consequence: missense variant. On other transcripts: intron variant (1).
Genome position (GRCh38, 1-based): chr21:42,493,040, C>T on the plus strand (G>A on the coding strand, the complement: RSPH1 is on the minus strand). VCF-style: chr21-42493040-C-T. GRCh37 (hg19) VCF-style: chr21-43913150-C-T.
Other names: c.55-177G>A (NM_001286506.2); short protein forms G32R.
Identifiers: ClinVar variation 700041 (VCV000700041.11), dbSNP rs543602231, ClinGen allele CA10044068.